The following is an entry in ClinVar:

ClinVar aggregate classification (germline): Uncertain significance (1 of 4 stars; one submission).

Conditions:
ATP11A-related disorder. Also called: ATP11A-related condition.

gnomAD v4.1: 13 of 1,612,190 alleles (0.00081%); highest among the groups gnomAD compares: Non-Finnish European, 0.0011%; no homozygotes.

Submission:

PreventionGenetics, part of Exact Sciences
Classification: Uncertain significance for ATP11A-related condition. Last evaluated: 2025-01-10. Review status: criteria provided, single submitter. Criteria: ACMG Guidelines, 2015. Collection method: clinical testing. Allele origin: germline.
Comment: The ATP11A c.3088A>G variant is predicted to result in the amino acid substitution p.Ile1030Val. To our knowledge, this variant has not been reported in the literature. This variant is reported in 0.00088% of alleles in individuals of European (Non-Finnish) descent in gnomAD. At this time, the clinical significance of this variant is uncertain due to the absence of conclusive functional and genetic evidence.

NM_015205.3(ATP11A):c.3088A>G (p.Ile1030Val)

Genes: ATP11A (ATPase phospholipid transporting 11A; plus strand), LOC126861868 (CDK7 strongly-dependent group 2 enhancer GRCh37_chr13:113526644-113527843; plus strand). Cytogenetic location: 13q34.
Variant type: single nucleotide variant.
Coding change: c.3088A>G on transcript NM_015205.3 (MANE Select); coding-DNA position 3088, A replaced by G.
Protein change: p.Ile1030Val; replaces isoleucine 1030 with valine.
Molecular consequence: missense variant.
Genome position (GRCh38, 1-based): chr13:112,873,603, A>G. VCF-style: chr13-112873603-A-G. GRCh37 (hg19) VCF-style: chr13-113527917-A-G.
Other names: c.3088A>G, p.Ile1030Val (NM_001405661.1, NM_001405662.1, NM_001405663.1 and 1 more transcripts); short protein forms I1030V.
Identifiers: ClinVar variation 4985437 (VCV004985437.1).